The following is an entry in ClinVar:

ClinVar aggregate classification (germline): Uncertain significance (1 of 4 stars; one submission).

Conditions:
Cardiovascular phenotype. Identifiers: MedGen CN230736.

Submission:

Ambry Genetics
Classification: Uncertain significance for Cardiovascular phenotype. Last evaluated: 2025-01-13. Review status: criteria provided, single submitter. Criteria: Ambry Variant Classification Scheme 2023. Collection method: clinical testing. Allele origin: germline.
Comment: The p.E1982K variant (also known as c.5944G>A), located in coding exon 38 of the ANK2 gene, results from a G to A substitution at nucleotide position 5944. The glutamic acid at codon 1982 is replaced by lysine, an amino acid with similar properties. This amino acid position is conserved. In addition, this alteration is predicted to be deleterious by in silico analysis. Based on the available evidence, the clinical significance of this variant remains unclear.

NM_001148.6(ANK2):c.5944G>A (p.Glu1982Lys)

Genes: ANK2 (ankyrin 2; plus strand), LOC126807136 (MED14-independent group 3 enhancer GRCh37_chr4:114274931-114276130; plus strand). Cytogenetic location: 4q26.
Variant type: single nucleotide variant.
Coding change: c.5944G>A on transcript NM_001148.6 (MANE Select); coding-DNA position 5944, G replaced by A.
Protein change: p.Glu1982Lys; replaces glutamic acid 1982 with lysine.
Molecular consequence: missense variant. On other transcripts: intron variant (68).
Genome position (GRCh38, 1-based): chr4:113,354,562, G>A. VCF-style: chr4-113354562-G-A. GRCh37 (hg19) VCF-style: chr4-114275718-G-A.
Other names: c.5710G>A, p.Glu1904Lys (NM_001386142.1); c.2344G>A, p.Glu782Lys (NM_001386166.1); c.6085G>A, p.Glu2029Lys (NM_001386174.1); c.6061G>A, p.Glu2021Lys (NM_001386175.1); c.4411+4313G>A (NM_001386186.2, NM_001386148.2); c.4213+4313G>A (NM_001354269.3); c.4291+4313G>A (NM_001386187.2); c.4252+4313G>A (NM_001386147.1); and 35 more; short protein forms E2021K, E782K, E1904K, E1982K, E2029K.
Identifiers: ClinVar variation 3864068 (VCV003864068.1).
Genomic context (GRCh38, chr4:113,354,562, plus strand): 5'-CCTGTGTCACCTTCTGGCAAAACAGAAAAGCAACCACCTGTATCCCCCACTTCAAAAACA[G>A]AGAGGATTGAGGAAACCATGTCTGTTCGGGAGCTGATGAAGGCTTTCCAGTCAGGTCAGG-3'
Protein context (NP_001139.3, residues 1972-1992): QPPVSPTSKT[Glu1982Lys]RIEETMSVRE